The following is an entry in ClinVar:

NM_024417.5(FDXR):c.106del (p.Glu36fs)

Gene: FDXR (ferredoxin reductase; minus strand). Cytogenetic location: 17q25.1.
Variant type: Deletion.
Coding change: c.106del on transcript NM_024417.5 (MANE Select); coding-DNA position 106, one base deleted (G; older notation c.106delG).
Protein change: p.Glu36fs; shifts the reading frame from glutamic acid 36.
Molecular consequence: frameshift variant. On other transcripts: non-coding transcript variant (1).
Genome position (GRCh38, 1-based): chr17:74,872,107, C deleted on the plus strand (G on the coding strand, the reverse complement: FDXR is on the minus strand); the first of 2 consecutive C bases (chr17:74,872,107-74,872,108); deleting either gives the same sequence. VCF-style (leftmost placement, unchanged base first): chr17-74872106-TC-T. GRCh37 (hg19) VCF-style: chr17-72868231-TC-T.
Other names: c.106del, p.Glu36fs (NM_001258012.4, NM_001258014.4, NM_001258015.3 and 1 more transcripts); short protein forms E36fs.
Identifiers: ClinVar variation 5005809 (VCV005005809.2).
Genomic context (GRCh38, chr17:74,872,106, plus strand): 5'-TGTTGGGCCGTGTAGAAGCCAGCTGGGCCACTGCCCACCACACAGATCTGGGGGGTCTTC[TC>T]CTGTGTGGAGAAATGGTGGCAGAAGCCTGGGGCCAGGCAGAGGAGAGGGAAAAGGTCAAA-3'

ClinVar aggregate classification (germline): Likely pathogenic (1 of 4 stars; one submission).

Conditions:
Multiple mitochondrial dysfunctions syndrome 9b. Identifiers: MedGen C5935635, MONDO:0971174, OMIM 620887.
Auditory neuropathy-optic atrophy syndrome. Also called: MULTIPLE MITOCHONDRIAL DYSFUNCTIONS SYNDROME 9A; AUDITORY NEUROPATHY AND OPTIC ATROPHY. Identifiers: Orphanet 542585, MedGen C4521678, MONDO:0060582, OMIM 617717.

Submission:

Juno Genomics, Hangzhou Juno Genomics, Inc
Classification: Likely pathogenic for Multiple mitochondrial dysfunctions syndrome 9b; Auditory neuropathy-optic atrophy syndrome. Review status: criteria provided, single submitter. Criteria: ACMG Guidelines, 2015. Collection method: clinical testing. Allele origin: germline.
Comment: Null variant in a gene where loss of function (LOF) is a known mechanism of disease.;Absent from controls (or at extremely low frequency if recessive) in Genome Aggregation Database.